The following is an entry in ClinVar:

ClinVar aggregate classification (germline): Uncertain significance (1 of 4 stars; one submission).

gnomAD v4.1: 11 of 1,614,180 alleles (0.00068%); highest among the groups gnomAD compares: Non-Finnish European, 0.00076%; no homozygotes.

Submission:

Labcorp Genetics (formerly Invitae), Labcorp
Classification: Uncertain significance. Last evaluated: 2024-11-29. Review status: criteria provided, single submitter. Criteria: Invitae Variant Classification Sherloc (09022015). Collection method: clinical testing. Allele origin: germline.
Comment: This sequence change replaces histidine, which is basic and polar, with leucine, which is neutral and non-polar, at codon 1462 of the KMT2E protein (p.His1462Leu). This variant is present in population databases (no rsID available, gnomAD 0.009%). This variant has not been reported in the literature in individuals affected with KMT2E-related conditions. Invitae Evidence Modeling of protein sequence and biophysical properties (such as structural, functional, and spatial information, amino acid conservation, physicochemical variation, residue mobility, and thermodynamic stability) indicates that this missense variant is not expected to disrupt KMT2E protein function with a negative predictive value of 80%. In summary, the available evidence is currently insufficient to determine the role of this variant in disease. Therefore, it has been classified as a Variant of Uncertain Significance.

NM_182931.3(KMT2E):c.4385A>T (p.His1462Leu)

Gene: KMT2E (lysine methyltransferase 2E (inactive); plus strand). Cytogenetic location: 7q22.3.
Variant type: single nucleotide variant.
Coding change: c.4385A>T on transcript NM_182931.3 (MANE Select); coding-DNA position 4385, A replaced by T.
Protein change: p.His1462Leu; replaces histidine 1462 with leucine.
Molecular consequence: missense variant.
Genome position (GRCh38, 1-based): chr7:105,112,141, A>T. VCF-style: chr7-105112141-A-T. GRCh37 (hg19) VCF-style: chr7-104752588-A-T.
Other names: c.4259A>T, p.His1420Leu (NM_001410908.1); c.4385A>T, p.His1462Leu (NM_018682.4); short protein forms H1420L, H1462L.
Identifiers: ClinVar variation 3687071 (VCV003687071.2).